The following is an entry in ClinVar:

ClinVar aggregate classification (germline): Likely benign (1 of 4 stars; one submission).

Allele frequency attached by ClinVar (database versions not stated): 1000 Genomes Project 0.00060; 1000 Genomes Project 30x 0.00062; TOPMed 0.00243; gnomAD 0.00270; ExAC 0.00331; ESP Exome Variant Server 0.00377; gnomAD exomes 0.00427.
gnomAD v4.1: 6,579 of 1,613,966 alleles (0.41%); highest among the groups gnomAD compares: Non-Finnish European, 0.51%; 24 homozygotes.

Submission:

CeGaT Center for Human Genetics Tuebingen
Classification: Likely benign. Last evaluated: 2022-04-01. Review status: criteria provided, single submitter. Criteria: CeGaT Center For Human Genetics Tuebingen Variant Classification Criteria Version 2. Collection method: clinical testing. Allele origin: germline. Affected: yes. Observed: 1 variant allele.
Comment: SYNRG: BP4, BS2

NM_007247.6(SYNRG):c.3777+3A>G

Gene: SYNRG (synergin gamma; minus strand). Cytogenetic location: 17q12.
Variant type: single nucleotide variant.
Coding change: c.3777+3A>G on transcript NM_007247.6 (MANE Select); 3 bases into the intron after coding-DNA position 3777, A replaced by G.
Molecular consequence: intron variant.
Genome position (GRCh38, 1-based): chr17:37,520,535, T>C on the plus strand (A>G on the coding strand, the complement: SYNRG is on the minus strand). VCF-style: chr17-37520535-T-C. GRCh37 (hg19) VCF-style: chr17-35880638-T-C.
Other names: c.3540+3A>G (NM_001163545.3); c.3159+3A>G (NM_001163547.3); c.3408+3A>G (NM_001163546.3); c.3543+3A>G (NM_080550.5, NM_001163544.3); c.3612+3A>G (NM_198882.3); c.4149+3A>G (NM_001405103.1).
Identifiers: ClinVar variation 2647695 (VCV002647695.24), dbSNP rs201895385, ClinGen allele CA8517100.
Genomic context (GRCh38, chr17:37,520,535, plus strand): 5'-GAGGTTGTCCAGAGTCATGTTAGGGAAGCCCTTTGCTGTCTGCAAGGAGGCTGCGTGACT[T>C]ACCCGGCTCCTCGAGTCCACATTCAAGAGGCACACTCCACAGGCAAGCTCCTGAGCATTT-3'